The following is an entry in ClinVar:

ClinVar aggregate classification (germline): Likely benign. Review status: criteria provided, multiple submitters, no conflicts (2 of 4 stars). 2 submissions from 2 submitters: Likely benign (2). Last evaluated 2026-08-01.

Conditions:
Warts, hypogammaglobulinemia, infections, and myelokathexis. Also called: WHIM syndrome. Identifiers: MedGen C0472817, MONDO:0023880.

Allele frequency attached by ClinVar (database versions not stated): ExAC 0.00005.
gnomAD v4.1: 22 of 1,614,100 alleles (0.0014%); highest among the groups gnomAD compares: South Asian, 0.022%; no homozygotes.

Submissions (2):

CeGaT Center for Human Genetics Tuebingen
Classification: Likely benign. Last evaluated: 2026-08-01. Review status: criteria provided, single submitter. Criteria: CeGaT Center For Human Genetics Tuebingen Variant Classification Criteria Version 2. Collection method: clinical testing. Allele origin: germline. Affected: yes. Observed: 1 variant allele.
Comment: CXCR4: BP4, BP7

Labcorp Genetics (formerly Invitae), Labcorp
Classification: Likely benign for Warts, hypogammaglobulinemia, infections, and myelokathexis. Last evaluated: 2024-03-11. Review status: criteria provided, single submitter. Criteria: Invitae Variant Classification Sherloc (09022015). Collection method: clinical testing. Allele origin: germline.

NM_003467.3(CXCR4):c.39C>T (p.Thr13=)

Gene: CXCR4 (C-X-C motif chemokine receptor 4; minus strand). Cytogenetic location: 2q22.1.
Variant type: single nucleotide variant.
Coding change: c.39C>T on transcript NM_003467.3 (MANE Select); coding-DNA position 39, C replaced by T.
Protein change: p.Thr13=; no amino-acid change (threonine 13 retained).
Molecular consequence: synonymous variant. On other transcripts: 5 prime UTR variant (1).
Genome position (GRCh38, 1-based): chr2:136,115,889, G>A on the plus strand (C>T on the coding strand, the complement: CXCR4 is on the minus strand). VCF-style: chr2-136115889-G-A. GRCh37 (hg19) VCF-style: chr2-136873459-G-A.
Other names: c.51C>T, p.Thr17= (NM_001008540.2); c.252C>T, p.Thr84= (NM_001348056.2); c.138C>T, p.Thr46= (NM_001348059.2); c.-7C>T (NM_001348060.2).
Identifiers: ClinVar variation 2156402 (VCV002156402.5), dbSNP rs375868851, ClinGen allele CA1890166.